The following is an entry in ClinVar:

ClinVar aggregate classification (germline): Pathogenic. Review status: criteria provided, multiple submitters, no conflicts (2 of 4 stars). 2 submissions from 2 submitters: Pathogenic (2). Last evaluated 2023-07-19.

Conditions:
Junctional epidermolysis bullosa. Identifiers: Orphanet 305, MedGen C0079301, MONDO:0017612.

Allele frequency attached by ClinVar (database versions not stated): ESP Exome Variant Server 0.00008.

Submissions (2):

Labcorp Genetics (formerly Invitae), Labcorp
Classification: Pathogenic. Last evaluated: 2023-07-19. Review status: criteria provided, single submitter. Criteria: Invitae Variant Classification Sherloc (09022015). Collection method: clinical testing. Allele origin: germline.
Comment: For these reasons, this variant has been classified as Pathogenic. ClinVar contains an entry for this variant (Variation ID: 929011). This premature translational stop signal has been observed in individual(s) with junctional epidermolysis bullosa (PMID: 15373767). This variant is present in population databases (rs369555024, gnomAD 0.0009%). This sequence change creates a premature translational stop signal (p.Trp143*) in the LAMB3 gene. It is expected to result in an absent or disrupted protein product. Loss-of-function variants in LAMB3 are known to be pathogenic (PMID: 11023379, 16473856).

Women's Health and Genetics/Laboratory Corporation of America, LabCorp
Classification: Pathogenic for Junctional epidermolysis bullosa. Last evaluated: 2022-06-24. Review status: criteria provided, single submitter. Criteria: LabCorp Variant Classification Summary - May 2015. Collection method: clinical testing. Allele origin: germline.
Comment: Variant summary: LAMB3 c.429G>A (p.Trp143X) results in a premature termination codon, predicted to cause a truncation of the encoded protein or absence of the protein due to nonsense mediated decay, which are commonly known mechanisms for disease. Truncations downstream of this position have been classified as pathogenic by our laboratory. The variant allele was found at a frequency of 4e-06 in 250962 control chromosomes. c.429G>A has been reported in the literature in individuals affected with Junctional Epidermolysis Bullosa (Castori_2008, Posteraro_2004, Rossi_2021). These data indicate that the variant is likely to be associated with disease. To our knowledge, no experimental evidence demonstrating an impact on protein function has been reported. One clinical diagnostic laboratory has submitted clinical-significance assessments for this variant to ClinVar after 2014 without evidence for independent evaluation. One laboratory classified the variant as pathogenic. Based on the evidence outlined above, the variant was classified as pathogenic.

Literature cited by the submitters: PubMed 15373767 (cited by Labcorp Genetics (formerly Invitae), Labcorp and Women's Health and Genetics/Laboratory Corporation of America, LabCorp); PubMed 11023379 (cited by Labcorp Genetics (formerly Invitae), Labcorp); PubMed 16473856 (cited by Labcorp Genetics (formerly Invitae), Labcorp and Women's Health and Genetics/Laboratory Corporation of America, LabCorp); PubMed 17916201 (cited by Women's Health and Genetics/Laboratory Corporation of America, LabCorp); PubMed 33274474 (cited by Women's Health and Genetics/Laboratory Corporation of America, LabCorp).

NM_000228.3(LAMB3):c.429G>A (p.Trp143Ter)

Gene: LAMB3 (laminin subunit beta 3; minus strand). Cytogenetic location: 1q32.2.
Variant type: single nucleotide variant.
Coding change: c.429G>A on transcript NM_000228.3 (MANE Select); coding-DNA position 429, G replaced by A.
Protein change: p.Trp143Ter; replaces tryptophan 143 with a stop codon.
Molecular consequence: nonsense.
Genome position (GRCh38, 1-based): chr1:209,634,582, C>T on the plus strand (G>A on the coding strand, the complement: LAMB3 is on the minus strand). VCF-style: chr1-209634582-C-T. GRCh37 (hg19) VCF-style: chr1-209807927-C-T.
Other names: c.429G>A, p.Trp143Ter (NM_001017402.2, NM_001127641.1); short protein forms W143*.
Identifiers: ClinVar variation 929011 (VCV000929011.8), dbSNP rs369555024, ClinGen allele CA1375971.